The following is an entry in ClinVar:

ClinVar aggregate classification (germline): Uncertain significance. Review status: criteria provided, multiple submitters, no conflicts (2 of 4 stars). 2 submissions from 2 submitters: Uncertain significance (2). Last evaluated 2025-10-18.

Conditions:
Inborn genetic diseases. Identifiers: MedGen C0950123, MeSH D030342.

gnomAD v4.1: 2 of 1,582,062 alleles (0.00013%); highest among the groups gnomAD compares: Middle Eastern, 0.033%; no homozygotes.

Submissions (2):

Ambry Genetics
Classification: Uncertain significance for Inborn genetic diseases. Last evaluated: 2025-10-18. Review status: criteria provided, single submitter. Criteria: Ambry Variant Classification Scheme 2023. Collection method: clinical testing. Allele origin: germline.

Labcorp Genetics (formerly Invitae), Labcorp
Classification: Uncertain significance. Last evaluated: 2022-04-08. Review status: criteria provided, single submitter. Criteria: Invitae Variant Classification Sherloc (09022015). Collection method: clinical testing. Allele origin: germline.
Comment: This variant has not been reported in the literature in individuals affected with PCLO-related conditions. In summary, the available evidence is currently insufficient to determine the role of this variant in disease. Therefore, it has been classified as a Variant of Uncertain Significance. Algorithms developed to predict the effect of missense changes on protein structure and function are either unavailable or do not agree on the potential impact of this missense change (SIFT: "Deleterious"; PolyPhen-2: "Not Available"; Align-GVGD: "Class C0"). This variant is not present in population databases (gnomAD no frequency). This sequence change replaces glycine, which is neutral and non-polar, with aspartic acid, which is acidic and polar, at codon 3044 of the PCLO protein (p.Gly3044Asp).

NM_033026.6(PCLO):c.9131G>A (p.Gly3044Asp)

Gene: PCLO (piccolo presynaptic cytomatrix protein; minus strand). Cytogenetic location: 7q21.11.
Variant type: single nucleotide variant.
Coding change: c.9131G>A on transcript NM_033026.6 (MANE Select); coding-DNA position 9131, G replaced by A.
Protein change: p.Gly3044Asp; replaces glycine 3044 with aspartic acid.
Molecular consequence: missense variant.
Genome position (GRCh38, 1-based): chr7:82,951,457, C>T on the plus strand (G>A on the coding strand, the complement: PCLO is on the minus strand). VCF-style: chr7-82951457-C-T. GRCh37 (hg19) VCF-style: chr7-82580773-C-T.
Other names: c.9131G>A (NM_033026.5); c.9131G>A, p.Gly3044Asp (NM_014510.3); short protein forms G3044D.
Identifiers: ClinVar variation 1909225 (VCV001909225.6), dbSNP rs542712269, ClinGen allele CA367909137.
Genomic context (GRCh38, chr7:82,951,457, plus strand): 5'-GAATACTGTGGGGTACTAATCCCAGCTCCTGAAATGACTTGTCGTGTTTCTGGATATGGA[C>T]CTGTAGTCTTGCTTGAATAATCCATTACCTCACCTGAAATACAGGGCAGAGTTATAGTCC-3'
Protein context (NP_149015.2, residues 3034-3054): EVMDYSSKTT[Gly3044Asp]PYPETRQVIS